The following is an entry in ClinVar:

NM_016219.5(MAN1B1):c.973G>A (p.Asp325Asn)

Gene: MAN1B1 (mannosidase alpha class 1B member 1; plus strand). Cytogenetic location: 9q34.3.
Variant type: single nucleotide variant.
Coding change: c.973G>A on transcript NM_016219.5 (MANE Select); coding-DNA position 973, G replaced by A.
Protein change: p.Asp325Asn; replaces aspartic acid 325 with asparagine.
Molecular consequence: missense variant. On other transcripts: non-coding transcript variant (2).
Genome position (GRCh38, 1-based): chr9:137,101,061, G>A. VCF-style: chr9-137101061-G-A. GRCh37 (hg19) VCF-style: chr9-139995513-G-A.
Other names: c.865G>A, p.Asp289Asn (NM_007230.1); short protein forms D289N, D325N.
Identifiers: ClinVar variation 2126043 (VCV002126043.4), dbSNP rs2538333589, ClinGen allele CA375650072.

ClinVar aggregate classification (germline): Uncertain significance (1 of 4 stars; one submission).

Conditions:
Rafiq syndrome (RAFQS). Identifiers: Orphanet 88616, MedGen C3280127, MONDO:0013624, OMIM 614202.

Submission:

Labcorp Genetics (formerly Invitae), Labcorp
Classification: Uncertain significance for Rafiq syndrome. Last evaluated: 2022-04-13. Review status: criteria provided, single submitter. Criteria: Invitae Variant Classification Sherloc (09022015). Collection method: clinical testing. Allele origin: germline.
Comment: In summary, the available evidence is currently insufficient to determine the role of this variant in disease. Therefore, it has been classified as a Variant of Uncertain Significance. Algorithms developed to predict the effect of missense changes on protein structure and function are either unavailable or do not agree on the potential impact of this missense change (SIFT: "Deleterious"; PolyPhen-2: "Benign"; Align-GVGD: "Class C0"). This variant has not been reported in the literature in individuals affected with MAN1B1-related conditions. This variant is not present in population databases (gnomAD no frequency). This sequence change replaces aspartic acid, which is acidic and polar, with asparagine, which is neutral and polar, at codon 325 of the MAN1B1 protein (p.Asp325Asn).